The following is an entry in ClinVar:

ClinVar aggregate classification (germline): Benign (1 of 4 stars; one submission).

Conditions:
Ichthyosis bullosa of Siemens (IBS). Also called: Superficial epidermolytic ichthyosis. Identifiers: Orphanet 455, MedGen C0432306, MONDO:0007813, OMIM 146800.

Allele frequency attached by ClinVar (database versions not stated): gnomAD 0.00004; TOPMed 0.00005; gnomAD exomes 0.00007.
gnomAD v4.1: 81 of 1,613,086 alleles (0.005%); highest among the groups gnomAD compares: Middle Eastern, 0.033%; no homozygotes.

Submission:

Illumina Laboratory Services, Illumina
Classification: Benign for Ichthyosis bullosa of Siemens. Last evaluated: 2018-01-13. Review status: criteria provided, single submitter. Criteria: ICSL Variant Classification Criteria 13 December 2019. Collection method: clinical testing. Allele origin: germline.
Comment: This variant was observed in the ICSL laboratory as part of a predisposition screen in an ostensibly healthy population. It had not been previously curated by ICSL or reported in the Human Gene Mutation Database (HGMD: prior to June 1st, 2018), and was therefore a candidate for classification through an automated scoring system. Utilizing variant allele frequency, disease prevalence and penetrance estimates, and inheritance mode, an automated score was calculated to assess if this variant is too frequent to cause the disease. Based on the score and internal cut-off values, a variant classified as benign is not then subjected to further curation. The score for this variant resulted in a classification of benign for this disease.

NM_000423.3(KRT2):c.1698C>T (p.Gly566=)

Gene: KRT2 (keratin 2; minus strand). Cytogenetic location: 12q13.13.
Variant type: single nucleotide variant.
Coding change: c.1698C>T on transcript NM_000423.3 (MANE Select); coding-DNA position 1698, C replaced by T.
Protein change: p.Gly566=; no amino-acid change (glycine 566 retained).
Molecular consequence: synonymous variant.
Genome position (GRCh38, 1-based): chr12:52,645,241, G>A on the plus strand (C>T on the coding strand, the complement: KRT2 is on the minus strand). VCF-style: chr12-52645241-G-A. GRCh37 (hg19) VCF-style: chr12-53039025-G-A.
Identifiers: ClinVar variation 880954 (VCV000880954.4), dbSNP rs186531871, ClinGen allele CA6585387.
Genomic context (GRCh38, chr12:52,645,241, plus strand): 5'-TCCAGAGATGGACCCTCCCTTAGAGCCACCACCAGATCCGTATCTTCCTCCAGAACCACC[G>A]CCAGAGCCATATCCTCCTCCAGAGATAGAACCTCCTCCTCCACTACCGCCTCTGGAGCCA-3'
Protein context (NP_000414.2, residues 556-576): GSISGGGYGS[Gly566=]GGSGGRYGSG